The following is an entry in ClinVar:

NM_014845.6(FIG4):c.1806A>G (p.Glu602=)

Gene: FIG4 (FIG4 phosphoinositide 5-phosphatase; plus strand). Cytogenetic location: 6q21.
Variant type: single nucleotide variant.
Coding change: c.1806A>G on transcript NM_014845.6 (MANE Select); coding-DNA position 1806, A replaced by G.
Protein change: p.Glu602=; no amino-acid change (glutamic acid 602 retained).
Molecular consequence: synonymous variant.
Genome position (GRCh38, 1-based): chr6:109,776,977, A>G. VCF-style: chr6-109776977-A-G. GRCh37 (hg19) VCF-style: chr6-110098180-A-G.
Identifiers: ClinVar variation 4982794 (VCV004982794.1).

ClinVar aggregate classification (germline): Likely benign (1 of 4 stars; one submission).

Conditions:
FIG4-related disorder. Also called: FIG4-related condition; FIG4-related disorders.

Submission:

PreventionGenetics, part of Exact Sciences
Classification: Likely benign for FIG4-related condition. Last evaluated: 2025-01-16. Review status: criteria provided, single submitter. Criteria: ACMG Guidelines, 2015. Collection method: clinical testing. Allele origin: germline.
Comment: This variant is classified as likely benign based on ACMG/AMP sequence variant interpretation guidelines (Richards et al. 2015 PMID: 25741868, with internal and published modifications).